The following is an entry in ClinVar:

NM_001145319.2(PLS1):c.788TGA[1] (p.Met264del)

Gene: PLS1 (plastin 1; plus strand). Cytogenetic location: 3q23.
Variant type: Microsatellite.
Coding change: c.788TGA[1] on transcript NM_001145319.2 (MANE Select); one copy of the 3-base unit TGA starting at c.788; the reference has two copies in a row; one copy, 3 bases deleted; also written c.791_793del.
Protein change: p.Met264del; deletes methionine 264.
Molecular consequence: inframe deletion.
Genome position (GRCh38, 1-based): chr3:142,684,298-142,684,300, TGA deleted; deleting any 3 consecutive bases within chr3:142,684,295-142,684,300 gives the same sequence; the position shown is the placement nearest the transcript's 3' end. VCF-style (leftmost placement, unchanged base first): chr3-142684294-CTGA-C. GRCh37 (hg19) VCF-style: chr3-142403136-CTGA-C.
Other names: c.791_793del (NM_001145319.2); c.788TGA[1], p.Met264del (NM_001172312.2, NM_002670.3); short protein forms M264del.
Identifiers: ClinVar variation 4886322 (VCV004886322.2).
Genomic context (GRCh38, chr3:142,684,294, plus strand): 5'-TTCGCTGTTTTGCCCTCAGCTCTGATTGCATTGTTAAATGAAGGTGAGGAACTAGAGGAG[CTGA>C]TGAAGCTTTCTCCCGAGGAATTACTGCTGCGATGGGTGAACTACCATCTGACCAATGCAG-3'

ClinVar aggregate classification (germline): Uncertain significance (1 of 4 stars; one submission).

Submission:

Dasa
Classification: Uncertain significance. Last evaluated: 2025-06-21. Review status: criteria provided, single submitter. Criteria: DASA Assertion Criteria. Collection method: clinical testing. Allele origin: germline.
Comment: NM_001145319.2(PLS1):c.791_793del (p.Met264del) is an in-frame deletion predicted to remove methionine at protein position 264 without shifting the reading frame. This variant is absent from population databases. The currently available literature and clinical evidence are not sufficient to establish a definitive association between this variant and the reported condition. Therefore, this variant is classified as a variant of uncertain significance.